The following is an entry in ClinVar:

ClinVar aggregate classification (germline): Conflicting classifications of pathogenicity. Review status: criteria provided, conflicting classifications (1 of 4 stars). 6 submissions from 6 submitters: Uncertain significance (1); Likely benign (3). 2 of the submissions do not count toward it. Last evaluated 2025-12-16.

Conditions:
CFTR-related disorder (CFTR-RD). Also called: CFTR-related disorders; CFTR-related condition. Identifiers: MedGen C5924204, MONDO:7770004.
Cystic fibrosis (CF). Also called: MUCOVISCIDOSIS. Identifiers: Orphanet 586, MedGen C0010674, MONDO:0009061, OMIM 219700. Disease mechanism: loss of function.

Allele frequency attached by ClinVar (database versions not stated): TOPMed below 0.00001; gnomAD exomes 0.00001; gnomAD 0.00001.
gnomAD v4.1: 23 of 1,613,122 alleles (0.0014%); highest among the groups gnomAD compares: Admixed American, 0.03%; 1 homozygote.

Submissions (6):

Labcorp Genetics (formerly Invitae), Labcorp
Classification: Likely benign for Cystic fibrosis. Last evaluated: 2025-12-16. Review status: criteria provided, single submitter. Criteria: Invitae Variant Classification Sherloc (09022015). Collection method: clinical testing. Allele origin: germline.

Women's Health and Genetics/Laboratory Corporation of America, LabCorp
Classification: Likely benign. Last evaluated: 2025-04-22. Review status: criteria provided, single submitter. Criteria: LabCorp Variant Classification Summary - May 2015. Collection method: clinical testing. Allele origin: germline.
Comment: Variant summary: CFTR c.3139+8A>G alters a non-conserved nucleotide located at a position not widely known to affect splicing. Consensus agreement among computation tools predict no significant impact on normal splicing. However, these predictions have yet to be confirmed by functional studies. The variant was absent in 250618 control chromosomes. The available data on variant occurrences in the general population are insufficient to allow any conclusion about variant significance. c.3139+8A>G has been observed in two individuals affected with Cystic Fibrosis and suspicion of cystic fibrosis, without strong evidence for causality (Schrijver_2005_b, Pepermans_2016). These report(s) do not provide unequivocal conclusions about association of the variant with Cystic Fibrosis. To our knowledge, no experimental evidence demonstrating an impact on protein function has been reported. The following publications have been ascertained in the context of this evaluation (PMID: 26500004, 15858154). ClinVar contains an entry for this variant (Variation ID: 35863). Based on the evidence outlined above, the variant was classified as likely benign.

Ambry Genetics
Classification: Likely benign for Cystic fibrosis. Last evaluated: 2022-10-20. Review status: criteria provided, single submitter. Criteria: Ambry Variant Classification Scheme 2023. Collection method: clinical testing. Allele origin: germline.

ARUP Laboratories, Molecular Genetics and Genomics, ARUP Laboratories
Classification: Uncertain significance. Last evaluated: 2022-03-31. Review status: criteria provided, single submitter. Criteria: ARUP Molecular Germline Variant Investigation Process 2021. Collection method: clinical testing. Allele origin: germline.
Comment: The CFTR c.3139+8A>G variant (rs193922517) is reported in the literature in an individual with borderline sweat chloride levels (Schrijver 2005). This variant is reported in ClinVar (Variation ID: 35863) and is absent from the Genome Aggregation Database, indicating it is not a common polymorphism. This is an intronic variant in a weakly conserved nucleotide, but computational analyses (Alamut v.2.11) predict that this variant may impact splicing by creating a novel cryptic donor splice, however these predictors are not considered high quality. However, given the lack of clinical and functional data, the significance of the c.3139+8A>G variant is uncertain at this time. References: Schrijver I et al. Diagnostic testing by CFTR gene mutation analysis in a large group of Hispanics: novel mutations and assessment of a population-specific mutation spectrum. J Mol Diagn. 2005 May;7(2):289-99. PMID: 15858154.

PreventionGenetics, part of Exact Sciences
Classification: Likely benign for CFTR-related condition. Last evaluated: 2023-09-05. Review status: no assertion criteria provided. Collection method: clinical testing. Allele origin: germline. Not counted in ClinVar's aggregate classification.
Comment: This variant is classified as likely benign based on ACMG/AMP sequence variant interpretation guidelines (Richards et al. 2015 PMID: 25741868, with internal and published modifications).

Counsyl
Classification: Uncertain significance for Cystic fibrosis. Last evaluated: 2017-05-23. Review status: no assertion criteria provided. Collection method: clinical testing. Allele origin: unknown. Not counted in ClinVar's aggregate classification.

Literature cited by the submitters: PubMed 15858154 (cited by Women's Health and Genetics/Laboratory Corporation of America, LabCorp); PubMed 26500004 (cited by Women's Health and Genetics/Laboratory Corporation of America, LabCorp).

NM_000492.4(CFTR):c.3139+8A>G

Genes: CFTR (CF transmembrane conductance regulator; plus strand), CFTR-AS2 (CFTR antisense RNA 2; minus strand), LOC111674472 (DNase I hypersensitive sites in introns 16 and 17a of CFTR; plus strand). Cytogenetic location: 7q31.2.
Variant type: single nucleotide variant.
Coding change: c.3139+8A>G on transcript NM_000492.4 (MANE Select); 8 bases into the intron after coding-DNA position 3139, A replaced by G.
Molecular consequence: intron variant.
Genome position (GRCh38, 1-based): chr7:117,610,677, A>G. VCF-style: chr7-117610677-A-G. GRCh37 (hg19) VCF-style: chr7-117250731-A-G.
Identifiers: ClinVar variation 35863 (VCV000035863.22), dbSNP rs193922517, ClinGen allele CA260234.